The following is an entry in ClinVar:

NM_003738.5(PTCH2):c.1058A>G (p.Gln353Arg)

Gene: PTCH2 (patched 2; minus strand). Cytogenetic location: 1p34.1.
Variant type: single nucleotide variant.
Coding change: c.1058A>G on transcript NM_003738.5 (MANE Select); coding-DNA position 1058, A replaced by G.
Protein change: p.Gln353Arg; replaces glutamine 353 with arginine.
Molecular consequence: missense variant.
Genome position (GRCh38, 1-based): chr1:44,829,639, T>C on the plus strand (A>G on the coding strand, the complement: PTCH2 is on the minus strand). VCF-style: chr1-44829639-T-C. GRCh37 (hg19) VCF-style: chr1-45295311-T-C.
Other names: c.1058A>G, p.Gln353Arg (NM_001166292.2); short protein forms Q353R.
Identifiers: ClinVar variation 2801644 (VCV002801644.3), dbSNP rs2521985147, ClinGen allele CA340104668.
Genomic context (GRCh38, chr1:44,829,639, plus strand): 5'-CTCAGGGCACCCCCCTTGTCCTTGTCCATACCGACCTGCACAAAGCGCCGCTGCCAGGCT[T>C]GTAGCACTGTGCTGGCCTGCTCCTCACTCCAGCCAATGTCATGTGTCTGATAGTCACCCC-3'
Protein context (NP_003729.3, residues 343-363): WSEEQASTVL[Gln353Arg]AWQRRFVQLA

ClinVar aggregate classification (germline): Uncertain significance (1 of 4 stars; one submission).

Conditions:
Gorlin syndrome. Also called: Basal cell nevus syndrome; Nevoid Basal Cell Carcinoma Syndrome. Identifiers: Orphanet 377, MedGen C0004779, MONDO:0007187.

Submission:

Labcorp Genetics (formerly Invitae), Labcorp
Classification: Uncertain significance for Gorlin syndrome. Last evaluated: 2023-02-14. Review status: criteria provided, single submitter. Criteria: Invitae Variant Classification Sherloc (09022015). Collection method: clinical testing. Allele origin: germline.
Comment: In summary, the available evidence is currently insufficient to determine the role of this variant in disease. Therefore, it has been classified as a Variant of Uncertain Significance. This sequence change replaces glutamine, which is neutral and polar, with arginine, which is basic and polar, at codon 353 of the PTCH2 protein (p.Gln353Arg). This variant is not present in population databases (gnomAD no frequency). This variant has not been reported in the literature in individuals affected with PTCH2-related conditions. Advanced modeling of protein sequence and biophysical properties (such as structural, functional, and spatial information, amino acid conservation, physicochemical variation, residue mobility, and thermodynamic stability) performed at Invitae indicates that this missense variant is not expected to disrupt PTCH2 protein function.